The following is an entry in ClinVar:

ClinVar aggregate classification (germline): Uncertain significance. Review status: criteria provided, multiple submitters, no conflicts (2 of 4 stars). 2 submissions from 2 submitters: Uncertain significance (2). Last evaluated 2026-07-12.

Conditions:
Erythrocytosis, familial, 3 (ECYT3). Identifiers: Orphanet 247511, MedGen C1853286, MONDO:0012353, OMIM 609820.

Submissions (2):

Ambry Genetics
Classification: Uncertain significance. Last evaluated: 2026-07-12. Review status: criteria provided, single submitter. Criteria: Ambry Variant Classification Scheme 2023. Collection method: clinical testing. Allele origin: germline.
Comment: The p.R398L variant (also known as c.1193G>T), located in coding exon 4 of the EGLN1 gene, results from a G to T substitution at nucleotide position 1193. The arginine at codon 398 is replaced by leucine, an amino acid with dissimilar properties. This amino acid position is conserved. In addition, the in silico prediction for this alteration is inconclusive. Based on the available evidence, the clinical significance of this variant remains unclear.

Labcorp Genetics (formerly Invitae), Labcorp
Classification: Uncertain significance for Erythrocytosis, familial, 3. Last evaluated: 2024-05-02. Review status: criteria provided, single submitter. Criteria: Invitae Variant Classification Sherloc (09022015). Collection method: clinical testing. Allele origin: germline.
Comment: This sequence change replaces arginine, which is basic and polar, with leucine, which is neutral and non-polar, at codon 398 of the EGLN1 protein (p.Arg398Leu). This variant is not present in population databases (gnomAD no frequency). This variant has not been reported in the literature in individuals affected with EGLN1-related conditions. An algorithm developed to predict the effect of missense changes on protein structure and function (PolyPhen-2) suggests that this variant is likely to be disruptive. Algorithms developed to predict the effect of sequence changes on RNA splicing suggest that this variant may disrupt the consensus splice site. In summary, the available evidence is currently insufficient to determine the role of this variant in disease. Therefore, it has been classified as a Variant of Uncertain Significance.

NM_022051.3(EGLN1):c.1193G>T (p.Arg398Leu)

Gene: EGLN1 (egl-9 family hypoxia inducible factor 1; minus strand). Cytogenetic location: 1q42.2.
Variant type: single nucleotide variant.
Coding change: c.1193G>T on transcript NM_022051.3 (MANE Select); coding-DNA position 1193, G replaced by T.
Protein change: p.Arg398Leu; replaces arginine 398 with leucine.
Molecular consequence: missense variant. On other transcripts: 3 prime UTR variant (1), intron variant (1).
Genome position (GRCh38, 1-based): chr1:231,367,592, C>A on the plus strand (G>T on the coding strand, the complement: EGLN1 is on the minus strand). VCF-style: chr1-231367592-C-A. GRCh37 (hg19) VCF-style: chr1-231503338-C-A.
Other names: c.*18G>T (NM_001377261.1); c.1149-1117G>T (NM_001377260.1); c.1193G>T (NM_022051.2); short protein forms R398L.
Identifiers: ClinVar variation 3684825 (VCV003684825.3).